The following is an entry in ClinVar:

ClinVar aggregate classification (germline): Uncertain significance (1 of 4 stars; one submission).

Conditions:
Inborn genetic diseases. Identifiers: MedGen C0950123, MeSH D030342.

gnomAD v4.1: 1 of 1,613,834 alleles (0.000062%); highest among the groups gnomAD compares: Admixed American, 0.0017%; no homozygotes.

Submission:

Ambry Genetics
Classification: Uncertain significance for Inborn genetic diseases. Last evaluated: 2025-01-09. Review status: criteria provided, single submitter. Criteria: Ambry Variant Classification Scheme 2023. Collection method: clinical testing. Allele origin: germline.
Comment: The p.Q1439K variant (also known as c.4315C>A), located in coding exon 1 of the SAMD9L gene, results from a C to A substitution at nucleotide position 4315. The glutamine at codon 1439 is replaced by lysine, an amino acid with similar properties. This amino acid position is conserved. In addition, this alteration is predicted to be tolerated by in silico analysis. Based on the available evidence, the clinical significance of this variant remains unclear.

NM_152703.5(SAMD9L):c.4315C>A (p.Gln1439Lys)

Gene: SAMD9L (sterile alpha motif domain containing 9 like; minus strand). Cytogenetic location: 7q21.2.
Variant type: single nucleotide variant.
Coding change: c.4315C>A on transcript NM_152703.5 (MANE Select); coding-DNA position 4315, C replaced by A.
Protein change: p.Gln1439Lys; replaces glutamine 1439 with lysine.
Molecular consequence: missense variant.
Genome position (GRCh38, 1-based): chr7:93,131,657, G>T on the plus strand (C>A on the coding strand, the complement: SAMD9L is on the minus strand). VCF-style: chr7-93131657-G-T. GRCh37 (hg19) VCF-style: chr7-92760970-G-T.
Other names: c.4315C>A, p.Gln1439Lys (NM_001303496.3, NM_001303497.3, NM_001303498.3 and 5 more transcripts); short protein forms Q1439K.
Identifiers: ClinVar variation 3792294 (VCV003792294.1).